The following is an entry in ClinVar:

ClinVar aggregate classification (germline): Uncertain significance (1 of 4 stars; one submission).

Submission:

Labcorp Genetics (formerly Invitae), Labcorp
Classification: Uncertain significance. Last evaluated: 2024-06-13. Review status: criteria provided, single submitter. Criteria: Invitae Variant Classification Sherloc (09022015). Collection method: clinical testing. Allele origin: germline.
Comment: This sequence change replaces lysine, which is basic and polar, with asparagine, which is neutral and polar, at codon 107 of the PAX3 protein (p.Lys107Asn). This variant also falls at the last nucleotide of exon 2, which is part of the consensus splice site for this exon. This variant is not present in population databases (gnomAD no frequency). This variant has not been reported in the literature in individuals affected with PAX3-related conditions. An algorithm developed to predict the effect of missense changes on protein structure and function (PolyPhen-2) suggests that this variant is likely to be disruptive. Variants that disrupt the consensus splice site are a relatively common cause of aberrant splicing (PMID: 17576681, 9536098). Algorithms developed to predict the effect of sequence changes on RNA splicing suggest that this variant may disrupt the consensus splice site. In summary, the available evidence is currently insufficient to determine the role of this variant in disease. Therefore, it has been classified as a Variant of Uncertain Significance.

Literature cited by the submitters: PubMed 17576681; PubMed 9536098.

NM_181458.4(PAX3):c.321G>C (p.Lys107Asn)

Gene: PAX3 (paired box 3; minus strand). Cytogenetic location: 2q36.1.
Variant type: single nucleotide variant.
Coding change: c.321G>C on transcript NM_181458.4 (MANE Select); coding-DNA position 321, G replaced by C.
Protein change: p.Lys107Asn; replaces lysine 107 with asparagine.
Molecular consequence: missense variant.
Genome position (GRCh38, 1-based): chr2:222,296,978, C>G on the plus strand (G>C on the coding strand, the complement: PAX3 is on the minus strand). VCF-style: chr2-222296978-C-G. GRCh37 (hg19) VCF-style: chr2-223161697-C-G.
Other names: c.321G>C, p.Lys107Asn (NM_000438.6, NM_001127366.3, NM_013942.5 and 4 more transcripts); short protein forms K107N.
Identifiers: ClinVar variation 3656475 (VCV003656475.2).